The following is an entry in ClinVar:

NM_001232.4(CASQ2):c.234+2T>C

Gene: CASQ2 (calsequestrin 2; minus strand). Cytogenetic location: 1p13.1.
Variant type: single nucleotide variant.
Coding change: c.234+2T>C on transcript NM_001232.4 (MANE Select); the canonical splice donor site of the intron after coding-DNA position 234, T replaced by C.
Molecular consequence: splice donor variant.
Genome position (GRCh38, 1-based): chr1:115,768,306, A>G on the plus strand (T>C on the coding strand, the complement: CASQ2 is on the minus strand). VCF-style: chr1-115768306-A-G. GRCh37 (hg19) VCF-style: chr1-116310927-A-G.
Identifiers: ClinVar variation 427018 (VCV000427018.7), dbSNP rs757789935, ClinGen allele CA1023982.

ClinVar aggregate classification (germline): Conflicting classifications of pathogenicity. Review status: criteria provided, conflicting classifications (1 of 4 stars). 3 submissions from 3 submitters: Pathogenic (1); Likely pathogenic (1); Uncertain significance (1). Last evaluated 2025-04-12.

Conditions:
Catecholaminergic polymorphic ventricular tachycardia 1. Also called: RYR2-Related Catecholaminergic Polymorphic Ventricular Tachycardia; VENTRICULAR TACHYCARDIA, STRESS-INDUCED POLYMORPHIC 1; VENTRICULAR TACHYCARDIA, CATECHOLAMINERGIC POLYMORPHIC, 1, WITH OR WITHOUT ATRIAL DYSFUNCTION AND/OR DILATED CARDIOMYOPATHY. Identifiers: Orphanet 3286, MedGen C1631597, MONDO:0011484, OMIM 604772.
Cardiovascular phenotype. Identifiers: MedGen CN230736.

Allele frequency attached by ClinVar (database versions not stated): TOPMed below 0.00001; gnomAD exomes 0.00002; ExAC 0.00003.
gnomAD v4.1: 10 of 1,602,642 alleles (0.00062%); highest among the groups gnomAD compares: South Asian, 0.0099%; no homozygotes.

Submissions (3):

Labcorp Genetics (formerly Invitae), Labcorp
Classification: Likely pathogenic for Catecholaminergic polymorphic ventricular tachycardia 1. Last evaluated: 2025-04-12. Review status: criteria provided, single submitter. Criteria: Invitae Variant Classification Sherloc (09022015). Collection method: clinical testing. Allele origin: germline.
Comment: This sequence change affects a donor splice site in intron 1 of the CASQ2 gene. It is expected to disrupt RNA splicing. Variants that disrupt the donor or acceptor splice site typically lead to a loss of protein function (PMID: 16199547), and loss-of-function variants in CASQ2 are known to be pathogenic (PMID: 12386154). This variant is present in population databases (rs757789935, gnomAD 0.02%). Disruption of this splice site has been observed in individual(s) with catecholaminergic polymorphic ventricular tachycardia (PMID: 32693635). ClinVar contains an entry for this variant (Variation ID: 427018). In summary, the currently available evidence indicates that the variant is pathogenic, but additional data are needed to prove that conclusively. Therefore, this variant has been classified as Likely Pathogenic.

Ambry Genetics
Classification: Uncertain significance for Cardiovascular phenotype. Last evaluated: 2022-07-08. Review status: criteria provided, single submitter. Criteria: Ambry Variant Classification Scheme 2023. Collection method: clinical testing. Allele origin: germline.
Comment: The c.234+2T>C intronic variant results from a T to C substitution two nucleotides after coding exon 1 in the CASQ2 gene. This variant has been detected in the homozygous state in an individual from a catecholaminergic polymorphic ventricular tachycardia cohort who was reported to have exercise-induced syncope and polymorphic ventricular tachycardia on stress test (Ng K et al. Circulation, 2020 09;142:932-947). In silico splice site analysis for this alteration is inconclusive. Alterations that disrupt the canonical splice site are expected to cause aberrant splicing, resulting in an abnormal protein or a transcript that is subject to nonsense-mediated mRNA decay; however, +2T>C alterations are capable of generating wild-type transcripts in some genomic contexts and should be interpreted with caution (Lin JH et al. Hum Mutat. 2019 10;40:1856-1873). Since supporting evidence is limited at this time, the clinical significance of this alteration remains unclear.

GeneDx
Classification: Pathogenic. Last evaluated: 2017-08-01. Review status: criteria provided, single submitter. Criteria: GeneDx Variant Classification (06012015). Collection method: clinical testing. Allele origin: germline. Affected: yes.
Comment: Although the c.234+2 T>C variant has not been reported as a pathogenic variant or as a benignvariant to our knowledge, this variant destroys the canonical splice donor site in intron 1 and ispredicted to cause abnormal gene splicing. The variant is predicted to lead to either an abnormalmessage that is subject to nonsense-mediated mRNA decay, or to an abnormal protein product if themessage is used for protein translation. Other splice site variants in the CASQ2 gene have beenreported in HGMD in association with polymorphic ventricular tachycardia (Stenson et al., 2014).Furthermore, the c.234+2 T>C pathogenic variant was not observed in approximately 6,500individuals of European and African American ancestry in the NHLBI Exome Sequencing Project,indicating it is not a common benign variant in these populations.In summary, c.234+2 T>C in the CASQ2 gene is interpreted as a pathogenic variant.

Literature cited by the submitters: PubMed 16199547 (cited by Labcorp Genetics (formerly Invitae), Labcorp); PubMed 12386154 (cited by Labcorp Genetics (formerly Invitae), Labcorp); PubMed 32693635 (cited by Labcorp Genetics (formerly Invitae), Labcorp and Ambry Genetics).